The following is an entry in ClinVar:

ClinVar aggregate classification (germline): Uncertain significance (1 of 4 stars; one submission).

Conditions:
Niemann-Pick disease, type C1. Also called: NEUROVISCERAL STORAGE DISEASE WITH VERTICAL SUPRANUCLEAR OPHTHALMOPLEGIA; NIEMANN-PICK DISEASE WITH CHOLESTEROL ESTERIFICATION BLOCK; NIEMANN-PICK DISEASE WITHOUT SPHINGOMYELINASE DEFICIENCY; NIEMANN-PICK DISEASE, CHRONIC NEURONOPATHIC FORM; NIEMANN-PICK DISEASE, VARIANT TYPE C1. Identifiers: Orphanet 646, MedGen C3179455, MONDO:0009757, OMIM 257220.

gnomAD v4.1: 6 of 1,614,186 alleles (0.00037%); highest among the groups gnomAD compares: Non-Finnish European, 0.00034%; no homozygotes.

Submission:

Labcorp Genetics (formerly Invitae), Labcorp
Classification: Uncertain significance for Niemann-Pick disease, type C1. Last evaluated: 2022-03-19. Review status: criteria provided, single submitter. Criteria: Invitae Variant Classification Sherloc (09022015). Collection method: clinical testing. Allele origin: germline.
Comment: This sequence change replaces isoleucine, which is neutral and non-polar, with methionine, which is neutral and non-polar, at codon 837 of the NPC1 protein (p.Ile837Met). This variant is not present in population databases (gnomAD no frequency). This variant has not been reported in the literature in individuals affected with NPC1-related conditions. Algorithms developed to predict the effect of missense changes on protein structure and function (SIFT, PolyPhen-2, Align-GVGD) all suggest that this variant is likely to be tolerated. Algorithms developed to predict the effect of sequence changes on RNA splicing suggest that this variant may create or strengthen a splice site. In summary, the available evidence is currently insufficient to determine the role of this variant in disease. Therefore, it has been classified as a Variant of Uncertain Significance.

NM_000271.5(NPC1):c.2511T>G (p.Ile837Met)

Gene: NPC1 (NPC intracellular cholesterol transporter 1; minus strand). Cytogenetic location: 18q11.2.
Variant type: single nucleotide variant.
Coding change: c.2511T>G on transcript NM_000271.5 (MANE Select); coding-DNA position 2511, T replaced by G.
Protein change: p.Ile837Met; replaces isoleucine 837 with methionine.
Molecular consequence: missense variant.
Genome position (GRCh38, 1-based): chr18:23,541,071, A>C on the plus strand (T>G on the coding strand, the complement: NPC1 is on the minus strand). VCF-style: chr18-23541071-A-C. GRCh37 (hg19) VCF-style: chr18-21121035-A-C.
Other names: short protein forms I837M.
Identifiers: ClinVar variation 1358403 (VCV001358403.5), dbSNP rs369793282, ClinGen allele CA401793271.